The following is an entry in ClinVar:

ClinVar aggregate classification (germline): Uncertain significance. Review status: criteria provided, multiple submitters, no conflicts (2 of 4 stars). 2 submissions from 2 submitters: Uncertain significance (2). Last evaluated 2026-09-14.

Conditions:
Neuroblastoma, susceptibility to, 3. Also called: ALK-Related Neuroblastic Tumor Susceptibility. Identifiers: Orphanet 635, MedGen C2751681, MONDO:0013083, OMIM 613014.
Hereditary cancer-predisposing syndrome. Also called: Tumor predisposition; Hereditary Cancer Syndrome; Hereditary neoplastic syndrome; Neoplastic Syndromes, Hereditary. Identifiers: Orphanet 140162, MedGen C0027672, MeSH D009386, MONDO:0015356.

Submissions (2):

Ambry Genetics
Classification: Uncertain significance for Hereditary cancer-predisposing syndrome. Last evaluated: 2026-09-14. Review status: criteria provided, single submitter. Criteria: Ambry Variant Classification Scheme 2023. Collection method: clinical testing. Allele origin: germline.
Comment: The c.1283-1G>A intronic variant results from a G to A substitution one nucleotide upstream from coding exon 6 of the ALK gene. This nucleotide position is highly conserved in available vertebrate species. In silico splice site analysis predicts that this alteration will weaken the native splice acceptor site. Variants that disrupt the canonical splice site are expected to cause aberrant splicing, resulting in an abnormal protein or a transcript that is subject to nonsense-mediated mRNA decay. However, loss of function has not been established as a mechanism of disease. Based on the available evidence, the clinical significance of this variant remains unclear.

Labcorp Genetics (formerly Invitae), Labcorp
Classification: Uncertain significance for Neuroblastoma, susceptibility to, 3. Last evaluated: 2023-10-16. Review status: criteria provided, single submitter. Criteria: Invitae Variant Classification Sherloc (09022015). Collection method: clinical testing. Allele origin: germline.
Comment: This sequence change affects an acceptor splice site in intron 5 of the ALK gene. It is expected to disrupt RNA splicing. Variants that disrupt the donor or acceptor splice site typically lead to a loss of protein function (PMID: 16199547), however the current clinical and genetic evidence is not sufficient to establish whether loss-of-function variants in ALK cause disease. This variant is not present in population databases (gnomAD no frequency). This variant has not been reported in the literature in individuals affected with ALK-related conditions. ClinVar contains an entry for this variant (Variation ID: 2108443). Algorithms developed to predict the effect of sequence changes on RNA splicing suggest that this variant may disrupt the consensus splice site. In summary, the available evidence is currently insufficient to determine the role of this variant in disease. Therefore, it has been classified as a Variant of Uncertain Significance.

Literature cited by the submitters: PubMed 16199547 (cited by Labcorp Genetics (formerly Invitae), Labcorp).

NM_004304.5(ALK):c.1283-1G>A

Gene: ALK (ALK receptor tyrosine kinase; minus strand). Cytogenetic location: 2p23.2.
Variant type: single nucleotide variant.
Coding change: c.1283-1G>A on transcript NM_004304.5 (MANE Select); the canonical splice acceptor site of the intron before coding-DNA position 1283, G replaced by A.
Molecular consequence: splice acceptor variant.
Genome position (GRCh38, 1-based): chr2:29,328,482, C>T on the plus strand (G>A on the coding strand, the complement: ALK is on the minus strand). VCF-style: chr2-29328482-C-T. GRCh37 (hg19) VCF-style: chr2-29551348-C-T.
Other names: c.1283-1G>A (NM_004304.4).
Identifiers: ClinVar variation 2108443 (VCV002108443.5), dbSNP rs2465459854, ClinGen allele CA346474630.
Genomic context (GRCh38, chr2:29,328,482, plus strand): 5'-CTGTCCCATTCCAACAAGTGAAGGAGCTCTGCAGGGCCATCTTGGAGCCTGGGGATGTTC[C>T]TGGAGAGCACACAGACACACAACCATGGTAAGTTTGCATGGCCCCAGGCAGCAGCTGGCC-3'